The following is an entry in ClinVar:

NM_002661.5(PLCG2):c.1744C>T (p.Arg582Trp)

Gene: PLCG2 (phospholipase C gamma 2; plus strand). Cytogenetic location: 16q23.3.
Variant type: single nucleotide variant.
Coding change: c.1744C>T on transcript NM_002661.5 (MANE Select); coding-DNA position 1744, C replaced by T.
Protein change: p.Arg582Trp; replaces arginine 582 with tryptophan.
Molecular consequence: missense variant.
Genome position (GRCh38, 1-based): chr16:81,910,530, C>T. VCF-style: chr16-81910530-C-T. GRCh37 (hg19) VCF-style: chr16-81944135-C-T.
Other names: c.1744C>T, p.Arg582Trp (NM_001425749.1, NM_001425750.1, NM_001425751.1); short protein forms R582W.
Identifiers: ClinVar variation 3075736 (VCV003075736.2), dbSNP rs1339374297, ClinGen allele CA396900792.

ClinVar aggregate classification (germline): Uncertain significance (1 of 4 stars; one submission).

Conditions:
Autoinflammation-PLCG2-associated antibody deficiency-immune dysregulation. Also called: Autoinflammation, antibody deficiency, and immune dysregulation, plcg2-associated; Autoinflammation, antibody deficiency, and immune dysregulation syndrome; AUTOINFLAMMATION, ANTIBODY DEFICIENCY, AND IMMUNE DYSREGULATION. Identifiers: Orphanet 324530, MedGen C3553961, MONDO:0013944, OMIM 614878.

Allele frequency attached by ClinVar (database versions not stated): gnomAD exomes below 0.00001; TOPMed 0.00003.
gnomAD v4.1: 2 of 1,613,934 alleles (0.00012%); highest among the groups gnomAD compares: Non-Finnish European, 0.00017%; no homozygotes.

Submission:

Institute of Human Genetics, University of Goettingen
Classification: Uncertain significance for Autoinflammation-PLCG2-associated antibody deficiency-immune dysregulation. Last evaluated: 2024-04-18. Review status: criteria provided, single submitter. Criteria: ACMG Guidelines, 2015. Collection method: clinical testing. Allele origin: unknown. Inheritance: Autosomal dominant inheritance. Observed: 1 heterozygote.
Comment: The variant c.1744C>T (p.(Arg582Trp)) in exon 18 of the PLCG2-gene is found at a very low frequency in the gnomAD database (< 0.001%), it affects a weakly conserved nucleotide and a moderately conserved amino acid within the SH2 protein domain and there is a moderate physicochemical difference between Arg and Trp. This variant has a pathogenic computational verdict based on in silico prediction models. To our knowledge, this variant has not been described in the literature yet. ACMG criteria used for classification: PM2_sup, PP3_mod.